The following is an entry in ClinVar:

NM_005219.5(DIAPH1):c.3662-1931C>G

Gene: DIAPH1 (diaphanous related formin 1; minus strand). Cytogenetic location: 5q31.3.
Variant type: single nucleotide variant.
Coding change: c.3662-1931C>G on transcript NM_005219.5 (MANE Select); 1931 bases into the intron before coding-DNA position 3662, C replaced by G.
Molecular consequence: intron variant.
Genome position (GRCh38, 1-based): chr5:141,518,939, G>C on the plus strand (C>G on the coding strand, the complement: DIAPH1 is on the minus strand). VCF-style: chr5-141518939-G-C. GRCh37 (hg19) VCF-style: chr5-140898506-G-C.
Other names: c.3635-1931C>G (NM_001079812.3); c.3714+5C>G (NM_001314007.2).
Identifiers: ClinVar variation 3377455 (VCV003377455.1).
Genomic context (GRCh38, chr5:141,518,939, plus strand): 5'-GTTTTCATCCCAGGAGAGGCTGCCCATAGATCAAGCAGGGAACACGCAGCATGCACACAG[G>C]TTACCAATTTAAAGGTCTCCTCCTCCTCCTCTACTTCCCAGGGGCACAAGAGGTTGTCTA-3'

ClinVar aggregate classification (germline): Uncertain significance (1 of 4 stars; one submission).

Conditions:
Autosomal dominant nonsyndromic hearing loss 1. Also called: DEAFNESS, AUTOSOMAL DOMINANT 1, WITH OR WITHOUT THROMBOCYTOPENIA; KONIGSMARK SYNDROME. Identifiers: Orphanet 90635, MedGen C1852282, MONDO:0007424, OMIM 124900.

Submission:

Victorian Clinical Genetics Services, Murdoch Childrens Research Institute
Classification: Uncertain significance for Autosomal dominant nonsyndromic hearing loss 1. Last evaluated: 2020-05-25. Review status: criteria provided, single submitter. Criteria: ACMG Guidelines, 2015. Collection method: clinical testing. Allele origin: germline. Affected: yes.
Comment: A heterozygous noncanonical splice site variant was identified, NM_001314007.1(DIAPH1):c.3714+5C>G in intron 28 of the DIAPH1 gene (NB: This variant is deep intronic in alternative transcripts). This substitution may cause aberrant splicing of the DIAPH1 gene, and affect protein function; further testing via RNA studies are required to confirm if splicing is altered. The nucleotide at this position has moderate conservation (Phylop UCSC). In silico software are uninformative regarding potential alterations caused by this variant (NetGene2, Fruit fly, Human Splicing Finder, ASSP). The variant is present in the gnomAD population database at a frequency of 0.0007% (1 heterozygote, 0 homozygotes). It has not been previously observed in clinical cases. Based on information available at the time of curation, this variant has been classified as a VARIANT of UNCERTAIN SIGNIFICANCE (VUS).